The following is an entry in ClinVar:

ClinVar aggregate classification (germline): Uncertain significance. Review status: criteria provided, multiple submitters, no conflicts (2 of 4 stars). 2 submissions from 2 submitters: Uncertain significance (2). Last evaluated 2025-08-06.

Allele frequency attached by ClinVar (database versions not stated): gnomAD 0.00001; TOPMed 0.00002.

Submissions (2):

Ambry Genetics
Classification: Uncertain significance. Last evaluated: 2025-08-06. Review status: criteria provided, single submitter. Criteria: Ambry Variant Classification Scheme 2023. Collection method: clinical testing. Allele origin: germline.

Labcorp Genetics (formerly Invitae), Labcorp
Classification: Uncertain significance. Last evaluated: 2023-04-24. Review status: criteria provided, single submitter. Criteria: Invitae Variant Classification Sherloc (09022015). Collection method: clinical testing. Allele origin: germline.
Comment: This variant is present in population databases (rs769651085, gnomAD 0.003%). In summary, the available evidence is currently insufficient to determine the role of this variant in disease. Therefore, it has been classified as a Variant of Uncertain Significance. An algorithm developed to predict the effect of missense changes on protein structure and function (PolyPhen-2) suggests that this variant is likely to be tolerated. ClinVar contains an entry for this variant (Variation ID: 2191070). This variant has not been reported in the literature in individuals affected with DGKZ-related conditions. This sequence change replaces glutamic acid, which is acidic and polar, with lysine, which is basic and polar, at codon 332 of the DGKZ protein (p.Glu332Lys).

NM_001199267.2(DGKZ):c.427G>A (p.Glu143Lys)

Gene: DGKZ (diacylglycerol kinase zeta; plus strand). Cytogenetic location: 11p11.2.
Variant type: single nucleotide variant.
Coding change: c.427G>A on transcript NM_001199267.2 (MANE Select); coding-DNA position 427, G replaced by A.
Protein change: p.Glu143Lys; replaces glutamic acid 143 with lysine.
Molecular consequence: missense variant.
Genome position (GRCh38, 1-based): chr11:46,368,065, G>A. VCF-style: chr11-46368065-G-A. GRCh37 (hg19) VCF-style: chr11-46389615-G-A.
Other names: c.994G>A, p.Glu332Lys (NM_001105540.2); c.430G>A, p.Glu144Lys (NM_001199266.2, NM_001199268.2, NM_003646.4); c.478G>A, p.Glu160Lys (NM_201532.3); c.442G>A, p.Glu148Lys (NM_201533.3); c.994G>A (NM_001105540.1); short protein forms E332K, E143K, E148K, E144K, E160K.
Identifiers: ClinVar variation 2191070 (VCV002191070.5), dbSNP rs769651085, ClinGen allele CA5962372.